The following is an entry in ClinVar:

NM_006231.4(POLE):c.6754A>C (p.Met2252Leu)

Gene: POLE (DNA polymerase epsilon, catalytic subunit; minus strand). Cytogenetic location: 12q24.33.
Variant type: single nucleotide variant.
Coding change: c.6754A>C on transcript NM_006231.4 (MANE Select); coding-DNA position 6754, A replaced by C.
Protein change: p.Met2252Leu; replaces methionine 2252 with leucine.
Molecular consequence: missense variant.
Genome position (GRCh38, 1-based): chr12:132,624,804, T>G on the plus strand (A>C on the coding strand, the complement: POLE is on the minus strand). VCF-style: chr12-132624804-T-G. GRCh37 (hg19) VCF-style: chr12-133201390-T-G.
Other names: short protein forms M2252L.
Identifiers: ClinVar variation 1755247 (VCV001755247.9), dbSNP rs759660507, ClinGen allele CA6891971.

ClinVar aggregate classification (germline): Conflicting classifications of pathogenicity. Review status: criteria provided, conflicting classifications (1 of 4 stars). 3 submissions from 3 submitters: Uncertain significance (2); Likely benign (1). Last evaluated 2025-03-26.

Conditions:
Facial dysmorphism-immunodeficiency-livedo-short stature syndrome. Also called: FILS syndrome; Facial dysmorphism, immunodeficiency, livedo, and short stature. Identifiers: Orphanet 352712, MedGen C3554576, MONDO:0014058, OMIM 615139.
Colorectal cancer, susceptibility to, 12 (CRCS12). Also called: COLORECTAL CANCER, SUSCEPTIBILITY TO, ON CHROMOSOME 12q24. Identifiers: Orphanet 220460, MedGen C3554460, MONDO:0014038, OMIM 615083.
Intrauterine growth retardation, metaphyseal dysplasia, adrenal hypoplasia congenita, genital anomalies, and immunodeficiency. Also called: IMAGEI SYNDROME. Identifiers: MedGen C5193036, MONDO:0032684, OMIM 618336.
Hereditary cancer-predisposing syndrome. Also called: Neoplastic Syndromes, Hereditary; Tumor predisposition; Hereditary Cancer Syndrome; Hereditary neoplastic syndrome. Identifiers: Orphanet 140162, MedGen C0027672, MeSH D009386, MONDO:0015356.

gnomAD v4.1: 2 of 1,610,450 alleles (0.00012%); highest among the groups gnomAD compares: Non-Finnish European, 0.000085%; no homozygotes.

Submissions (3):

Ambry Genetics
Classification: Likely benign for Hereditary cancer-predisposing syndrome. Last evaluated: 2025-03-26. Review status: criteria provided, single submitter. Criteria: Ambry Variant Classification Scheme 2023. Collection method: clinical testing. Allele origin: germline.

Department of Pathology and Laboratory Medicine, Sinai Health System
Classification: Uncertain significance for Colorectal cancer, susceptibility to, 12; Facial dysmorphism-immunodeficiency-livedo-short stature syndrome; Intrauterine growth retardation, metaphyseal dysplasia, adrenal hypoplasia congenita, genital anomalies, and immunodeficiency. Last evaluated: 2023-08-23. Review status: criteria provided, single submitter. Criteria: ACMG Guidelines, 2015. Collection method: research. Allele origin: germline.

Labcorp Genetics (formerly Invitae), Labcorp
Classification: Uncertain significance. Last evaluated: 2021-12-19. Review status: criteria provided, single submitter. Criteria: Invitae Variant Classification Sherloc (09022015). Collection method: clinical testing. Allele origin: germline.
Comment: In summary, the available evidence is currently insufficient to determine the role of this variant in disease. Therefore, it has been classified as a Variant of Uncertain Significance. Algorithms developed to predict the effect of missense changes on protein structure and function output the following: SIFT: "Tolerated"; PolyPhen-2: "Benign"; Align-GVGD: "Class C0". The leucine amino acid residue is found in multiple mammalian species, which suggests that this missense change does not adversely affect protein function. This variant has not been reported in the literature in individuals affected with POLE-related conditions. This variant is present in population databases (rs759660507, gnomAD no frequency). This sequence change replaces methionine, which is neutral and non-polar, with leucine, which is neutral and non-polar, at codon 2252 of the POLE protein (p.Met2252Leu).